The following is an entry in ClinVar:

NM_001111125.3(IQSEC2):c.3895C>T (p.Pro1299Ser)

Gene: IQSEC2 (IQ motif and Sec7 domain ArfGEF 2; minus strand). Cytogenetic location: Xp11.22.
Variant type: single nucleotide variant.
Coding change: c.3895C>T on transcript NM_001111125.3 (MANE Select); coding-DNA position 3895, C replaced by T.
Protein change: p.Pro1299Ser; replaces proline 1299 with serine.
Molecular consequence: missense variant. On other transcripts: 3 prime UTR variant (1).
Genome position (GRCh38, 1-based): chrX:53,234,791, G>A on the plus strand (C>T on the coding strand, the complement: IQSEC2 is on the minus strand). VCF-style: chrX-53234791-G-A. GRCh37 (hg19) VCF-style: chrX-53263973-G-A.
Other names: c.3895C>T (NM_001111125.2); c.*380C>T (NM_015075.2); short protein forms P1299S.
Identifiers: ClinVar variation 1327664 (VCV001327664.7), dbSNP rs782355048, ClinGen allele CA10419772.

ClinVar aggregate classification (germline): Conflicting classifications of pathogenicity. Review status: criteria provided, conflicting classifications (1 of 4 stars). 3 submissions from 3 submitters: Uncertain significance (1); Benign (1); Likely benign (1). Last evaluated 2025-11-09.

Conditions:
Inborn genetic diseases. Identifiers: MedGen C0950123, MeSH D030342.
Intellectual developmental disorder, X-linked 1. Also called: Atkin Flaitz Patil Smith syndrome; MENTAL RETARDATION, X-LINKED 18; MENTAL RETARDATION, X-LINKED 78; Intellectual disability, X-linked 1. Identifiers: Orphanet 777, MedGen C2931498, MONDO:0010656, OMIM 309530.

Allele frequency attached by ClinVar (database versions not stated): gnomAD 0.00005 and 0.00006; TOPMed 0.00006; gnomAD exomes 0.00005 and 0.00011.
gnomAD v4.1: 62 of 1,113,897 alleles (0.0056%); highest among the groups gnomAD compares: Non-Finnish European, 0.0013%; no homozygotes.

Submissions (3):

Labcorp Genetics (formerly Invitae), Labcorp
Classification: Benign for Intellectual developmental disorder, X-linked 1. Last evaluated: 2025-11-09. Review status: criteria provided, single submitter. Criteria: Invitae Variant Classification Sherloc (09022015). Collection method: clinical testing. Allele origin: germline.

GeneDx
Classification: Likely benign. Last evaluated: 2021-02-03. Review status: criteria provided, single submitter. Criteria: GeneDx Variant Classification Process June 2021. Collection method: clinical testing. Allele origin: germline. Affected: yes.

Ambry Genetics
Classification: Uncertain significance for Inborn genetic diseases. Last evaluated: 2020-11-05. Review status: criteria provided, single submitter. Criteria: Ambry Variant Classification Scheme 2023. Collection method: clinical testing. Allele origin: germline.
Comment: The c.3895C>T (p.P1299S) alteration is located in exon 15 (coding exon 15) of the IQSEC2 gene. This alteration results from a C to T substitution at nucleotide position 3895, causing the proline (P) at amino acid position 1299 to be replaced by a serine (S). Based on data from the Genome Aggregation Database (gnomAD) database, the IQSEC2 c.3895C>T alteration was observed in 0.01% (9/94642) of total alleles studied, with a frequency of 0.2% (6/3014) in the Ashkenazi Jewish subpopulation. This amino acid position is well conserved in available vertebrate species. This missense alteration is located in a region that has a low rate of benign missense variation (Lek, 2016; Firth, 2009). The p.P1299S alteration is predicted to be tolerated by in silico analysis. Based on insufficient or conflicting evidence, the clinical significance of this alteration remains unclear.

Literature cited by the submitters: PubMed 19344873 (cited by Ambry Genetics); PubMed 27535533 (cited by Ambry Genetics).